The following is an entry in ClinVar:

NM_022051.3(EGLN1):c.328G>A (p.Gly110Arg)

Gene: EGLN1 (egl-9 family hypoxia inducible factor 1; minus strand). Cytogenetic location: 1q42.2.
Variant type: single nucleotide variant.
Coding change: c.328G>A on transcript NM_022051.3 (MANE Select); coding-DNA position 328, G replaced by A.
Protein change: p.Gly110Arg; replaces glycine 110 with arginine.
Molecular consequence: missense variant.
Genome position (GRCh38, 1-based): chr1:231,421,561, C>T on the plus strand (G>A on the coding strand, the complement: EGLN1 is on the minus strand). VCF-style: chr1-231421561-C-T. GRCh37 (hg19) VCF-style: chr1-231557307-C-T.
Other names: c.328G>A, p.Gly110Arg (NM_001377260.1, NM_001377261.1); short protein forms G110R.
Identifiers: ClinVar variation 2450375 (VCV002450375.2), dbSNP rs2527360699, ClinGen allele CA345237697.

ClinVar aggregate classification (germline): Uncertain significance (1 of 4 stars; one submission).

Submission:

Ambry Genetics
Classification: Uncertain significance. Last evaluated: 2022-12-11. Review status: criteria provided, single submitter. Criteria: Ambry Variant Classification Scheme 2023. Collection method: clinical testing. Allele origin: germline.
Comment: The p.G110R variant (also known as c.328G>A), located in coding exon 1 of the EGLN1 gene, results from a G to A substitution at nucleotide position 328. The glycine at codon 110 is replaced by arginine, an amino acid with dissimilar properties. This amino acid position is conserved. In addition, this alteration is predicted to be tolerated by in silico analysis. Since supporting evidence is limited at this time, the clinical significance of this alteration remains unclear.